The following is an entry in ClinVar:

NM_021942.6(TRAPPC11):c.1801G>T (p.Val601Phe)

Gene: TRAPPC11 (trafficking protein particle complex subunit 11; plus strand). Cytogenetic location: 4q35.1.
Variant type: single nucleotide variant.
Coding change: c.1801G>T on transcript NM_021942.6 (MANE Select); coding-DNA position 1801, G replaced by T.
Protein change: p.Val601Phe; replaces valine 601 with phenylalanine.
Molecular consequence: missense variant.
Genome position (GRCh38, 1-based): chr4:183,686,656, G>T. VCF-style: chr4-183686656-G-T. GRCh37 (hg19) VCF-style: chr4-184607809-G-T.
Other names: c.1801G>T, p.Val601Phe (NM_199053.3); short protein forms V601F.
Identifiers: ClinVar variation 2124371 (VCV002124371.4), dbSNP rs750403695, ClinGen allele CA358869725.
Genomic context (GRCh38, chr4:183,686,656, plus strand): 5'-AGCCCTTTTGTTTTATTTCTAGTGCAGTGCAAAGCCAAGTTTCATGCCCCAAGTTTTCAT[G>T]TTGATGTTCCTGTTCAGTTTGATATTTATCTGAAGGCTGATTGTCCACATCCCATTAGGT-3'
Protein context (NP_068761.4, residues 591-611): KAKFHAPSFH[Val601Phe]DVPVQFDIYL

ClinVar aggregate classification (germline): Uncertain significance (1 of 4 stars; one submission).

Conditions:
Autosomal recessive limb-girdle muscular dystrophy type R18 (LGMDR18). Also called: MUSCULAR DYSTROPHY, LIMB-GIRDLE, AUTOSOMAL RECESSIVE 18; Autosomal recessive limb-girdle muscular dystrophy type 2S; Limb-girdle muscular dystrophy, type 2S. Identifiers: Orphanet 369840, MedGen C4517996, MONDO:0014144, OMIM 615356.

Submission:

Labcorp Genetics (formerly Invitae), Labcorp
Classification: Uncertain significance for Autosomal recessive limb-girdle muscular dystrophy type R18. Last evaluated: 2022-04-10. Review status: criteria provided, single submitter. Criteria: Invitae Variant Classification Sherloc (09022015). Collection method: clinical testing. Allele origin: germline.
Comment: This variant is not present in population databases (gnomAD no frequency). This sequence change replaces valine, which is neutral and non-polar, with phenylalanine, which is neutral and non-polar, at codon 601 of the TRAPPC11 protein (p.Val601Phe). This variant has not been reported in the literature in individuals affected with TRAPPC11-related conditions. In summary, the available evidence is currently insufficient to determine the role of this variant in disease. Therefore, it has been classified as a Variant of Uncertain Significance. Algorithms developed to predict the effect of missense changes on protein structure and function are either unavailable or do not agree on the potential impact of this missense change (SIFT: "Tolerated"; PolyPhen-2: "Possibly Damaging"; Align-GVGD: "Class C0").